The following is an entry in ClinVar:

ClinVar aggregate classification (germline): Uncertain significance (1 of 4 stars; one submission).

Conditions:
Jeune thoracic dystrophy. Also called: Short-rib thoracic dysplasia; Jeune syndrome; Infantile thoracic dystrophy; Thoracic pelvic phalangeal dystrophy; Jeune's syndrome; Chondroectodermal dysplasia-like syndrome. Identifiers: Orphanet 474, MedGen C0265275, MONDO:0018770.

Allele frequency attached by ClinVar (database versions not stated): gnomAD exomes below 0.00001; TOPMed below 0.00001.
gnomAD v4.1: 15 of 1,613,506 alleles (0.00093%); highest among the groups gnomAD compares: African/African-American, 0.008%; no homozygotes.

Submission:

Labcorp Genetics (formerly Invitae), Labcorp
Classification: Uncertain significance for Jeune thoracic dystrophy. Last evaluated: 2022-10-25. Review status: criteria provided, single submitter. Criteria: Invitae Variant Classification Sherloc (09022015). Collection method: clinical testing. Allele origin: germline.
Comment: This sequence change replaces arginine, which is basic and polar, with threonine, which is neutral and polar, at codon 761 of the IFT80 protein (p.Arg761Thr). This variant is not present in population databases (gnomAD no frequency). This variant has not been reported in the literature in individuals affected with IFT80-related conditions. ClinVar contains an entry for this variant (Variation ID: 1385614). Advanced modeling of protein sequence and biophysical properties (such as structural, functional, and spatial information, amino acid conservation, physicochemical variation, residue mobility, and thermodynamic stability) has been performed at Invitae for this missense variant, however the output from this modeling did not meet the statistical confidence thresholds required to predict the impact of this variant on IFT80 protein function. In summary, the available evidence is currently insufficient to determine the role of this variant in disease. Therefore, it has been classified as a Variant of Uncertain Significance.

NM_020800.3(IFT80):c.2282G>C (p.Arg761Thr)

Genes: IFT80 (intraflagellar transport 80; minus strand), TRIM59-IFT80 (TRIM59-IFT80 readthrough (NMD candidate); minus strand). Cytogenetic location: 3q25.33.
Variant type: single nucleotide variant.
Coding change: c.2282G>C on transcript NM_020800.3 (MANE Select); coding-DNA position 2282, G replaced by C.
Protein change: p.Arg761Thr; replaces arginine 761 with threonine.
Molecular consequence: missense variant. On other transcripts: non-coding transcript variant (3).
Genome position (GRCh38, 1-based): chr3:160,258,577, C>G on the plus strand (G>C on the coding strand, the complement: IFT80 is on the minus strand). VCF-style: chr3-160258577-C-G. GRCh37 (hg19) VCF-style: chr3-159976365-C-G.
Other names: c.1871G>C, p.Arg624Thr (NM_001190241.2, NM_001190242.2); short protein forms R624T, R761T.
Identifiers: ClinVar variation 1385614 (VCV001385614.3), dbSNP rs112640410, ClinGen allele CA87069756.